The following is an entry in ClinVar:

ClinVar aggregate classification (germline): Benign/Likely benign. Review status: criteria provided, multiple submitters, no conflicts (2 of 4 stars). 14 submissions from 14 submitters: Benign (8); Likely benign (4). 2 of the submissions do not count toward it. Last evaluated 2026-02-03.

Conditions:
Hereditary pancreatitis (PCTT). Also called: Hereditary chronic pancreatitis; PRSS1-Related Hereditary Pancreatitis. Identifiers: Orphanet 676, MedGen C0238339, MONDO:0008185, OMIM 167800.

Allele frequency attached by ClinVar (database versions not stated): gnomAD exomes 0.00267 and 0.00745; gnomAD 0.03139 and 0.02923; ExAC 0.00925; 1000 Genomes Project 0.03175; TOPMed 0.03310; ESP Exome Variant Server 0.03322; 1000 Genomes Project 30x 0.03326.
gnomAD v4.1: 8,558 of 1,613,622 alleles (0.53%); highest among the groups gnomAD compares: African/African-American, 10%; 418 homozygotes.

Submissions (14):

Labcorp Genetics (formerly Invitae), Labcorp
Classification: Benign for Hereditary pancreatitis. Last evaluated: 2026-02-03. Review status: criteria provided, single submitter. Criteria: Invitae Variant Classification Sherloc (09022015). Collection method: clinical testing. Allele origin: germline.

ARUP Laboratories, Molecular Genetics and Genomics, ARUP Laboratories
Classification: Benign. Last evaluated: 2025-07-07. Review status: criteria provided, single submitter. Criteria: ARUP Molecular Germline Variant Investigation Process 2024. Collection method: clinical testing. Allele origin: germline.

Blueprint Genetics
Classification: Likely benign. Last evaluated: 2024-11-22. Review status: criteria provided, single submitter. Criteria: ACMG Guidelines, 2015. Collection method: clinical testing. Allele origin: germline.

KCCC/NGS Laboratory, Kuwait Cancer Control Center
Classification: Benign for Hereditary pancreatitis. Last evaluated: 2023-07-07. Review status: criteria provided, single submitter. Criteria: ACMG Guidelines, 2015. Collection method: clinical testing. Allele origin: germline. Affected: yes.

Mayo Clinic Laboratories, Mayo Clinic
Classification: Benign. Last evaluated: 2023-02-16. Review status: criteria provided, single submitter. Criteria: ACMG Guidelines, 2015. Collection method: clinical testing. Allele origin: germline. Observed: 72 variant alleles.

Sema4
Classification: Benign for Hereditary pancreatitis. Last evaluated: 2020-09-06. Review status: criteria provided, single submitter. Criteria: Sema4 Curation Guidelines. Collection method: curation. Allele origin: germline.

GeneDx
Classification: Benign. Last evaluated: 2018-11-20. Review status: criteria provided, single submitter. Criteria: GeneDx Variant Classification Process June 2021. Collection method: clinical testing. Allele origin: germline. Affected: yes.
Comment: This variant is associated with the following publications: (PMID: 27086061, 17568390, 20981092, 28994706, 17274009, 17003641)

Center for Pediatric Genomic Medicine, Children's Mercy Hospital and Clinics
Classification: Benign. Last evaluated: 2017-08-15. Review status: criteria provided, single submitter. Criteria: ACMG Guidelines, 2015. Collection method: clinical testing. Allele origin: germline.

Illumina Laboratory Services, Illumina
Classification: Likely benign for Hereditary pancreatitis. Last evaluated: 2017-04-27. Review status: criteria provided, single submitter. Criteria: ICSL Variant Classification Criteria 13 December 2019. Collection method: clinical testing. Allele origin: germline.
Comment: This variant was observed as part of a predisposition screen in an ostensibly healthy population. A literature search was performed for the gene, cDNA change, and amino acid change (where applicable). Publications were found based on this search. The evidence from the literature, in combination with allele frequency data from public databases where available, was sufficient to determine this variant is unlikely to cause disease. Therefore, this variant is classified as likely benign.

Ambry Genetics
Classification: Benign for Hereditary pancreatitis. Last evaluated: 2016-02-24. Review status: criteria provided, single submitter. Criteria: Ambry Variant Classification Scheme 2023. Collection method: clinical testing. Allele origin: germline.

Women's Health and Genetics/Laboratory Corporation of America, LabCorp
Classification: Likely benign for heritable chronic pancreatitis. Last evaluated: 2011-08-18. Review status: criteria provided, single submitter. Criteria: LabCorp Variant Classification Summary - May 2015. Collection method: curation, clinical testing. Allele origin: germline. Inheritance: autosomal unknown. Affected: yes. Observed: 7 variant alleles.
ClinVar note: Converted during submission from likely benign to Likely benign.

Breakthrough Genomics
Classification: Likely benign. Review status: criteria provided, single submitter. Criteria: ACMG Guidelines, 2015. Collection method: not provided. Allele origin: germline. Inheritance: Autosomal recessive inheritance. Affected: yes.

Genome Diagnostics Laboratory, Amsterdam University Medical Center
Classification: Benign. Review status: no assertion criteria provided. Collection method: clinical testing. Allele origin: germline. Affected: yes. Study: VKGL Data-share Consensus. Not counted in ClinVar's aggregate classification.

Joint Genome Diagnostic Labs from Nijmegen and Maastricht, Radboudumc and MUMC+
Classification: Benign. Review status: no assertion criteria provided. Collection method: clinical testing. Allele origin: germline. Affected: yes. Study: VKGL Data-share Consensus. Not counted in ClinVar's aggregate classification.

Literature cited by the submitters: PubMed 17003641 (cited by Illumina Laboratory Services, Illumina and Women's Health and Genetics/Laboratory Corporation of America, LabCorp); PubMed 17274009 (cited by Illumina Laboratory Services, Illumina and Women's Health and Genetics/Laboratory Corporation of America, LabCorp); PubMed 17568390 (cited by Women's Health and Genetics/Laboratory Corporation of America, LabCorp); PubMed 18570327 (cited by Women's Health and Genetics/Laboratory Corporation of America, LabCorp).

NM_001379610.1(SPINK1):c.36G>C (p.Leu12Phe)

Gene: SPINK1 (serine peptidase inhibitor Kazal type 1; minus strand). Cytogenetic location: 5q32.
Variant type: single nucleotide variant.
Coding change: c.36G>C on transcript NM_001379610.1 (MANE Select); coding-DNA position 36, G replaced by C.
Protein change: p.Leu12Phe; replaces leucine 12 with phenylalanine.
Molecular consequence: missense variant.
Genome position (GRCh38, 1-based): chr5:147,831,542, C>G on the plus strand (G>C on the coding strand, the complement: SPINK1 is on the minus strand). VCF-style: chr5-147831542-C-G. GRCh37 (hg19) VCF-style: chr5-147211105-C-G.
Other names: c.36G>C, p.Leu12Phe (NM_001354966.2, NM_003122.5); short protein forms L12F.
Identifiers: ClinVar variation 36781 (VCV000036781.73), dbSNP rs35877720, ClinGen allele CA260530.